The following is an entry in ClinVar:

NM_004646.4(NPHS1):c.2686del (p.Gln896fs)

Gene: NPHS1 (NPHS1 adhesion molecule, nephrin; minus strand). Cytogenetic location: 19q13.12.
Variant type: Deletion.
Coding change: c.2686del on transcript NM_004646.4 (MANE Select); coding-DNA position 2686, one base deleted (C; older notation c.2686delC).
Protein change: p.Gln896fs; shifts the reading frame from glutamine 896.
Molecular consequence: frameshift variant.
Genome position (GRCh38, 1-based): chr19:35,841,844, G deleted on the plus strand (C on the coding strand, the reverse complement: NPHS1 is on the minus strand); the first of 2 consecutive G bases (chr19:35,841,844-35,841,845); deleting either gives the same sequence. VCF-style (leftmost placement, unchanged base first): chr19-35841843-TG-T. GRCh37 (hg19) VCF-style: chr19-36332745-TG-T.
Other names: short protein forms Q896fs.
Identifiers: ClinVar variation 2978206 (VCV002978206.4), dbSNP rs2513768554, ClinGen allele CA2584602120.

ClinVar aggregate classification (germline): Pathogenic/Likely pathogenic. Review status: criteria provided, multiple submitters, no conflicts (2 of 4 stars). 2 submissions from 2 submitters: Pathogenic (1); Likely pathogenic (1). Last evaluated 2023-11-21.

Conditions:
Finnish congenital nephrotic syndrome (NPHS1). Also called: NEPHROTIC SYNDROME, TYPE 1. Identifiers: Orphanet 839, MedGen C0403399, MONDO:0009732, OMIM 256300.

Submissions (2):

Baylor Genetics
Classification: Likely pathogenic for Finnish congenital nephrotic syndrome. Last evaluated: 2023-11-21. Review status: criteria provided, single submitter. Criteria: ACMG Guidelines, 2015. Collection method: clinical testing. Allele origin: unknown.

Labcorp Genetics (formerly Invitae), Labcorp
Classification: Pathogenic. Last evaluated: 2023-10-22. Review status: criteria provided, single submitter. Criteria: Invitae Variant Classification Sherloc (09022015). Collection method: clinical testing. Allele origin: germline.
Comment: This sequence change creates a premature translational stop signal (p.Gln896Argfs*9) in the NPHS1 gene. It is expected to result in an absent or disrupted protein product. Loss-of-function variants in NPHS1 are known to be pathogenic (PMID: 11317351, 11854170, 12039988). This variant is not present in population databases (gnomAD no frequency). This variant has not been reported in the literature in individuals affected with NPHS1-related conditions. For these reasons, this variant has been classified as Pathogenic.

Literature cited by the submitters: PubMed 11317351 (cited by Labcorp Genetics (formerly Invitae), Labcorp); PubMed 11854170 (cited by Labcorp Genetics (formerly Invitae), Labcorp); PubMed 12039988 (cited by Labcorp Genetics (formerly Invitae), Labcorp).